The following is an entry in ClinVar:

ClinVar aggregate classification (germline): Uncertain significance. Review status: criteria provided, multiple submitters, no conflicts (2 of 4 stars). 2 submissions from 2 submitters: Uncertain significance (2). Last evaluated 2025-06-23.

Conditions:
Malignant hyperthermia, susceptibility to, 5 (MHS5). Also called: CACNA1S-Related Malignant Hyperthermia Susceptibility. Identifiers: Orphanet 423, MedGen C1866077, MONDO:0011163, OMIM 601887.
Hypokalemic periodic paralysis, type 1. Also called: Hypokalemic Periodic Paralysis Type 1 (AD); HypoPP. Identifiers: Orphanet 681, MedGen C3714580, MONDO:0042979, OMIM 170400.

Allele frequency attached by ClinVar (database versions not stated): ExAC 0.00001; TOPMed 0.00001; gnomAD 0.00003.

Submissions (2):

Color Diagnostics, LLC DBA Color Health
Classification: Uncertain significance for Malignant hyperthermia, susceptibility to, 5. Last evaluated: 2025-06-23. Review status: criteria provided, single submitter. Criteria: ACMG Guidelines, 2015. Collection method: clinical testing. Allele origin: germline.
Comment: This missense variant replaces alanine with serine at codon 1469 of the CACNA1S protein. Computational prediction suggests that this variant may not impact protein structure and function. To our knowledge, functional studies have not been reported for this variant. This variant has not been reported in individuals affected with CACNA1S-related disorders in the literature. This variant has been identified in 4/282568 chromosomes in the general population by the Genome Aggregation Database (gnomAD). The available evidence is insufficient to determine the role of this variant in disease conclusively. Therefore, this variant is classified as a Variant of Uncertain Significance.

Labcorp Genetics (formerly Invitae), Labcorp
Classification: Uncertain significance for Hypokalemic periodic paralysis, type 1; Malignant hyperthermia, susceptibility to, 5. Last evaluated: 2023-10-22. Review status: criteria provided, single submitter. Criteria: Invitae Variant Classification Sherloc (09022015). Collection method: clinical testing. Allele origin: germline.
Comment: This sequence change replaces alanine, which is neutral and non-polar, with serine, which is neutral and polar, at codon 1469 of the CACNA1S protein (p.Ala1469Ser). This variant is present in population databases (rs760866945, gnomAD 0.002%). This variant has not been reported in the literature in individuals affected with CACNA1S-related conditions. Advanced modeling of protein sequence and biophysical properties (such as structural, functional, and spatial information, amino acid conservation, physicochemical variation, residue mobility, and thermodynamic stability) has been performed at Invitae for this missense variant, however the output from this modeling did not meet the statistical confidence thresholds required to predict the impact of this variant on CACNA1S protein function. In summary, the available evidence is currently insufficient to determine the role of this variant in disease. Therefore, it has been classified as a Variant of Uncertain Significance.

NM_000069.3(CACNA1S):c.4405G>T (p.Ala1469Ser)

Gene: CACNA1S (calcium voltage-gated channel subunit alpha1 S; minus strand). Cytogenetic location: 1q32.1.
Variant type: single nucleotide variant.
Coding change: c.4405G>T on transcript NM_000069.3 (MANE Select); coding-DNA position 4405, G replaced by T.
Protein change: p.Ala1469Ser; replaces alanine 1469 with serine.
Molecular consequence: missense variant.
Genome position (GRCh38, 1-based): chr1:201,048,618, C>A on the plus strand (G>T on the coding strand, the complement: CACNA1S is on the minus strand). VCF-style: chr1-201048618-C-A. GRCh37 (hg19) VCF-style: chr1-201017746-C-A.
Other names: short protein forms A1469S.
Identifiers: ClinVar variation 2922940 (VCV002922940.2), dbSNP rs760866945, ClinGen allele CA083328.